The following is an entry in ClinVar:

NM_002253.4(KDR):c.3082G>C (p.Asp1028His)

Gene: KDR (kinase insert domain receptor; minus strand). Cytogenetic location: 4q12.
Variant type: single nucleotide variant.
Coding change: c.3082G>C on transcript NM_002253.4 (MANE Select); coding-DNA position 3082, G replaced by C.
Protein change: p.Asp1028His; replaces aspartic acid 1028 with histidine.
Molecular consequence: missense variant.
Genome position (GRCh38, 1-based): chr4:55,090,066, C>G on the plus strand (G>C on the coding strand, the complement: KDR is on the minus strand). VCF-style: chr4-55090066-C-G. GRCh37 (hg19) VCF-style: chr4-55956233-C-G.
Other names: short protein forms D1028H.
Identifiers: ClinVar variation 5037641 (VCV005037641.1).

ClinVar aggregate classification (germline): Uncertain significance (1 of 4 stars; one submission).

Submission:

GeneDx
Classification: Uncertain significance. Last evaluated: 2026-04-24. Review status: criteria provided, single submitter. Criteria: GeneDx Variant Classification Process June 2021. Collection method: clinical testing. Allele origin: germline.
Comment: Not observed at significant frequency in large population cohorts (gnomAD); In silico analysis supports that this missense variant has a deleterious effect on protein structure/function; Has not been previously published as pathogenic or benign to our knowledge